The following is an entry in ClinVar:

ClinVar aggregate classification (germline): Likely pathogenic (1 of 4 stars; one submission).

Conditions:
Hypophosphatasia. Also called: Phosphoethanol-aminuria. Identifiers: Orphanet 436, MedGen C0020630, MeSH D007014, MONDO:0018570.

Submission:

Genomenon, Inc
Classification: Likely pathogenic for Hypophosphatasia. Last evaluated: 2025-08-29. Review status: criteria provided, single submitter. Criteria: Genomenon Sequence Variant Interpretation Standards. Collection method: curation. Allele origin: germline. Affected: yes.
Comment: ALPL c.251A>T is a missense variant that changes the amino acid at residue 84 from Glutamic acid to Valine. This variant has been observed in at least one proband affected with hypophosphatasia (PMID:20828673). The variant was found to segregate with disease in at least one affected family (PMID:20828673). It is absent or not present at a significant frequency in gnomAD. In silico models agree that this variant is possibly or probably damaging. In conclusion, we classify ALPL p.Glu84Val (c.251A>T) as a likely pathogenic variant.

Literature cited by the submitters: PubMed 20828673.

NM_000478.6(ALPL):c.251A>T (p.Glu84Val)

Gene: ALPL (alkaline phosphatase, biomineralization associated; plus strand). Cytogenetic location: 1p36.12.
Variant type: single nucleotide variant.
Coding change: c.251A>T on transcript NM_000478.6 (MANE Select); coding-DNA position 251, A replaced by T.
Protein change: p.Glu84Val; replaces glutamic acid 84 with valine.
Molecular consequence: missense variant. On other transcripts: intron variant (1).
Genome position (GRCh38, 1-based): chr1:21,561,166, A>T. VCF-style: chr1-21561166-A-T. GRCh37 (hg19) VCF-style: chr1-21887659-A-T.
Other names: c.251A>T, p.Glu84Val (NM_001369804.2, NM_001369805.2, NM_001369803.2); c.66+421A>T (NM_001177520.3); c.86A>T, p.Glu29Val (NM_001127501.4); short protein forms E29V, E84V.
Identifiers: ClinVar variation 4086921 (VCV004086921.1).